The following is an entry in ClinVar:

ClinVar aggregate classification (germline): Uncertain significance (1 of 4 stars; one submission).

Submission:

Labcorp Genetics (formerly Invitae), Labcorp
Classification: Uncertain significance. Last evaluated: 2024-10-08. Review status: criteria provided, single submitter. Criteria: Invitae Variant Classification Sherloc (09022015). Collection method: clinical testing. Allele origin: germline.
Comment: This sequence change replaces alanine, which is neutral and non-polar, with valine, which is neutral and non-polar, at codon 1838 of the OTOG protein (p.Ala1838Val). This variant is not present in population databases (gnomAD no frequency). This variant has not been reported in the literature in individuals affected with OTOG-related conditions. ClinVar contains an entry for this variant (Variation ID: 1380982). An algorithm developed to predict the effect of missense changes on protein structure and function outputs the following: PolyPhen-2: "Benign". The valine amino acid residue is found in multiple mammalian species, which suggests that this missense change does not adversely affect protein function. In summary, the available evidence is currently insufficient to determine the role of this variant in disease. Therefore, it has been classified as a Variant of Uncertain Significance.

NM_001292063.2(OTOG):c.5477C>T (p.Ala1826Val)

Gene: OTOG (otogelin; plus strand). Cytogenetic location: 11p15.1.
Variant type: single nucleotide variant.
Coding change: c.5477C>T on transcript NM_001292063.2 (MANE Select); coding-DNA position 5477, C replaced by T.
Protein change: p.Ala1826Val; replaces alanine 1826 with valine.
Molecular consequence: missense variant.
Genome position (GRCh38, 1-based): chr11:17,610,777, C>T. VCF-style: chr11-17610777-C-T. GRCh37 (hg19) VCF-style: chr11-17632324-C-T.
Other names: c.5513C>T, p.Ala1838Val (NM_001277269.2); short protein forms A1826V, A1838V.
Identifiers: ClinVar variation 1380982 (VCV001380982.6), dbSNP rs1246080530, ClinGen allele CA379799807.